The following is an entry in ClinVar:

NM_000551.4(VHL):c.340+741G>C

Genes: VHL (von Hippel-Lindau tumor suppressor; plus strand), LOC107303340 (3p25 von Hippel-Lindau tumor suppressor, E3 ubiquitin protein ligase Alu-mediated recombination region; plus strand). Cytogenetic location: 3p25.3.
Variant type: single nucleotide variant.
Coding change: c.340+741G>C on transcript NM_000551.4 (MANE Select); 741 bases into the intron after coding-DNA position 340, G replaced by C.
Molecular consequence: intron variant. On other transcripts: missense variant (1), non-coding transcript variant (1).
Genome position (GRCh38, 1-based): chr3:10,142,928, G>C. VCF-style: chr3-10142928-G-C. GRCh37 (hg19) VCF-style: chr3-10184612-G-C.
Other names: c.506G>C, p.Gly169Ala (NM_001354723.2); c.340+741G>C (NM_198156.3); short protein forms G169A.
Identifiers: ClinVar variation 4794698 (VCV004794698.1).

ClinVar aggregate classification (germline): Uncertain significance (1 of 4 stars; one submission).

Conditions:
Chuvash polycythemia. Also called: POLYCYTHEMIA, VHL-DEPENDENT. Identifiers: Orphanet 238557, MedGen C1837915, MONDO:0009892, OMIM 263400.
Von Hippel-Lindau syndrome (VHLS). Also called: von Hippel–Lindau syndrome; VHL syndrome; Von Hippel-Lindau. Identifiers: Orphanet 892, MedGen C0019562, MONDO:0008667, OMIM 193300. Disease mechanism: loss of function.

Submission:

Labcorp Genetics (formerly Invitae), Labcorp
Classification: Uncertain significance for Von Hippel-Lindau syndrome; Chuvash polycythemia. Last evaluated: 2025-09-16. Review status: criteria provided, single submitter. Criteria: Invitae Variant Classification Sherloc (09022015). Collection method: clinical testing. Allele origin: germline.
Comment: This sequence change falls in intron 1 of the VHL gene. It is not expected to change the encoded amino acid sequence of the VHL protein. However, this sequence change falls within a cryptic exon in the VHL gene, known as exon E1’, which is naturally expressed at low levels in several human tissues (PMID: 29891534). This variant is not present in population databases (gnomAD no frequency). This variant has not been reported in the literature in individuals affected with VHL-related conditions. Algorithms developed to predict the effect of sequence changes on RNA splicing suggest that this variant is not likely to affect RNA splicing. In summary, the available evidence is currently insufficient to determine the role of this variant in disease. Therefore, it has been classified as a Variant of Uncertain Significance.

Literature cited by the submitters: PubMed 29891534.